The following is an entry in ClinVar:

ClinVar aggregate classification (germline): Pathogenic (1 of 4 stars; one submission).

Conditions:
Chromosome 2q32-q33 deletion syndrome (GLASS). Also called: 2q33.1 deletion syndrome; Glass syndrome. Identifiers: Orphanet 251019, MedGen C2676739, MONDO:0012864, OMIM 612313.

Submission:

Labcorp Genetics (formerly Invitae), Labcorp
Classification: Pathogenic for Chromosome 2q32-q33 deletion syndrome. Last evaluated: 2018-11-06. Review status: criteria provided, single submitter. Criteria: Invitae Variant Classification Sherloc (09022015). Collection method: clinical testing. Allele origin: germline.
Comment: This variant is not present in population databases (ExAC no frequency). This variant has not been reported in the literature in individuals with SATB2-related disease. Loss-of-function variants in SATB2 are known to be pathogenic (PMID: 25885067). For these reasons, this variant has been classified as Pathogenic. This sequence change creates a premature translational stop signal (p.Gln188*) in the SATB2 gene. It is expected to result in an absent or disrupted protein product.

Literature cited by the submitters: PubMed 25885067.

NM_001172509.2(SATB2):c.562C>T (p.Gln188Ter)

Gene: SATB2 (SATB homeobox 2; minus strand). Cytogenetic location: 2q33.1.
Variant type: single nucleotide variant.
Coding change: c.562C>T on transcript NM_001172509.2 (MANE Select); coding-DNA position 562, C replaced by T.
Protein change: p.Gln188Ter; replaces glutamine 188 with a stop codon.
Molecular consequence: nonsense.
Genome position (GRCh38, 1-based): chr2:199,380,399, G>A on the plus strand (C>T on the coding strand, the complement: SATB2 is on the minus strand). VCF-style: chr2-199380399-G-A. GRCh37 (hg19) VCF-style: chr2-200245122-G-A.
Other names: c.562C>T, p.Gln188Ter (NM_001172517.1, NM_015265.4); short protein forms Q188*.
Identifiers: ClinVar variation 656899 (VCV000656899.7), dbSNP rs1391758713, ClinGen allele CA350388797.